The following is an entry in ClinVar:

ClinVar aggregate classification (germline): Pathogenic. Review status: criteria provided, multiple submitters, no conflicts (2 of 4 stars). 3 submissions from 3 submitters: Pathogenic (3). Last evaluated 2024-03-13.

Conditions:
Osteogenesis imperfecta (OI). Identifiers: Orphanet 666, MedGen C0029434, MeSH D010013, MONDO:0019019.
Osteogenesis imperfecta type I (OI1). Also called: Classic Non-deforming Osteogenesis Imperfecta with Blue Sclerae; Lobstein disease; OI, TYPE I; OSTEOGENESIS IMPERFECTA TARDA; OSTEOGENESIS IMPERFECTA WITH BLUE SCLERAE; Lobstein's Disease. Identifiers: Orphanet 216796, Orphanet 666, MedGen C0023931, MONDO:0008146, OMIM 166200. Disease mechanism: loss of function.

Submissions (4):

Revvity Omics, Revvity
Classification: Pathogenic. Last evaluated: 2024-03-13. Review status: criteria provided, single submitter. Criteria: ACMG Guidelines, 2015. Collection method: clinical testing. Allele origin: germline.

Labcorp Genetics (formerly Invitae), Labcorp
Classification: Pathogenic for Osteogenesis imperfecta type I. Last evaluated: 2024-01-26. Review status: criteria provided, single submitter. Criteria: Invitae Variant Classification Sherloc (09022015). Collection method: clinical testing. Allele origin: germline.
Comment: This sequence change affects an acceptor splice site in intron 18 of the COL1A1 gene. It is expected to disrupt RNA splicing. Variants that disrupt the donor or acceptor splice site typically lead to a loss of protein function (PMID: 16199547), and loss-of-function variants in COL1A1 are known to be pathogenic (PMID: 7942841, 9295084, 9443882). This variant is not present in population databases (gnomAD no frequency). Disruption of this splice site has been observed in individuals with clinical features of osteogenesis imperfecta (PMID: 9443882; Invitae). ClinVar contains an entry for this variant (Variation ID: 800565). Algorithms developed to predict the effect of sequence changes on RNA splicing suggest that this variant may disrupt the consensus splice site. For these reasons, this variant has been classified as Pathogenic.

Clinical Molecular Genetics Laboratory, Johns Hopkins All Children's Hospital
Classification: Pathogenic for Osteogenesis imperfecta. Last evaluated: 2019-12-17. Review status: criteria provided, single submitter. Criteria: ACMG Guidelines, 2015. Collection method: clinical testing. Allele origin: germline. Inheritance: Autosomal dominant inheritance. Affected: yes. Observed: 1 heterozygote.

Dr. Peter K. Rogan Lab, Western University
No classification provided (evidence only). Condition: Thyroid cancer, nonmedullary, 1. Review status: no classification provided. Collection method: in vitro. Allele origin: not applicable. Functional consequence: retained intron. Not counted in ClinVar's aggregate classification.

Literature cited by the submitters: PubMed 16199547 (cited by Labcorp Genetics (formerly Invitae), Labcorp); PubMed 7942841 (cited by Labcorp Genetics (formerly Invitae), Labcorp); PubMed 9295084 (cited by Labcorp Genetics (formerly Invitae), Labcorp); PubMed 9443882 (cited by Labcorp Genetics (formerly Invitae), Labcorp).

NM_000088.4(COL1A1):c.1201-1G>A

Gene: COL1A1 (collagen type I alpha 1 chain; minus strand). Cytogenetic location: 17q21.33.
Variant type: single nucleotide variant.
Coding change: c.1201-1G>A on transcript NM_000088.4 (MANE Select); the canonical splice acceptor site of the intron before coding-DNA position 1201, G replaced by A.
Molecular consequence: splice acceptor variant.
Genome position (GRCh38, 1-based): chr17:50,195,331, C>T on the plus strand (G>A on the coding strand, the complement: COL1A1 is on the minus strand). VCF-style: chr17-50195331-C-T. GRCh37 (hg19) VCF-style: chr17-48272692-C-T.
Identifiers: ClinVar variation 800565 (VCV000800565.15), dbSNP rs72648321, ClinGen allele CA291546694.
Genomic context (GRCh38, chr17:50,195,331, plus strand): 5'-GGGTCCAGAGGGGCCTCGGGCACCAGGGAAGCCAGGAGCACCAGCAATACCAGGAGCACC[C>T]TGTGGGAGGCAGACAGCCAGGGCGTGAGCCTAGGAGCAGAGGGAAAGGGGCAGGCAGGCT-3'